The following is an entry in ClinVar:

NM_017636.4(TRPM4):c.463A>T (p.Thr155Ser)

Gene: TRPM4 (transient receptor potential cation channel subfamily M member 4; plus strand). Cytogenetic location: 19q13.33.
Variant type: single nucleotide variant.
Coding change: c.463A>T on transcript NM_017636.4 (MANE Select); coding-DNA position 463, A replaced by T.
Protein change: p.Thr155Ser; replaces threonine 155 with serine.
Molecular consequence: missense variant. On other transcripts: 5 prime UTR variant (2), intron variant (2).
Genome position (GRCh38, 1-based): chr19:49,168,274, A>T. VCF-style: chr19-49168274-A-T. GRCh37 (hg19) VCF-style: chr19-49671531-A-T.
Other names: c.463A>T, p.Thr155Ser (NM_001195227.2); c.-1091A>T (NM_001321282.2); c.-60A>T (NM_001321283.2); c.268-279A>T (NM_001321281.2); c.-237-279A>T (NM_001321285.2); short protein forms T155S.
Identifiers: ClinVar variation 4615276 (VCV004615276.1).
Genomic context (GRCh38, chr19:49,168,274, plus strand): 5'-TTGTTTCTCTCCCCCTGCCTCTGCATGTTCCTCGGCGTCTGTGTAGGAGCCTGGATTGTC[A>T]CTGGGGGTCTGCACACGGGCATCGGCCGGCATGTTGGTGTGGCTGTACGGGACCATCAGA-3'
Protein context (NP_060106.2, residues 145-165): AAQSTGAWIV[Thr155Ser]GGLHTGIGRH

ClinVar aggregate classification (germline): Uncertain significance (1 of 4 stars; one submission).

Conditions:
Cardiovascular phenotype. Identifiers: MedGen CN230736.

Submission:

Ambry Genetics
Classification: Uncertain significance for Cardiovascular phenotype. Last evaluated: 2025-11-22. Review status: criteria provided, single submitter. Criteria: Ambry Variant Classification Scheme 2023. Collection method: clinical testing. Allele origin: germline.
Comment: The p.T155S variant (also known as c.463A>T), located in coding exon 5 of the TRPM4 gene, results from an A to T substitution at nucleotide position 463. The threonine at codon 155 is replaced by serine, an amino acid with similar properties. This amino acid position is conserved. In addition, this alteration is predicted to be tolerated by in silico analysis. Based on the available evidence, the clinical significance of this variant remains unclear.